The following is an entry in ClinVar:

ClinVar aggregate classification (germline): Likely pathogenic. Review status: criteria provided, single submitter (1 of 4 stars). 2 submissions from 2 submitters: Likely pathogenic (1). 1 of the submissions does not count toward it. Last evaluated 2024-08-12.

Conditions:
Dilated cardiomyopathy 1G (CMD1G). Identifiers: Orphanet 154, MedGen C1858763, MONDO:0011400, OMIM 604145.
Autosomal recessive limb-girdle muscular dystrophy type 2J (LGMDR10). Also called: Limb-girdle muscular dystrophy, type 2J; MUSCULAR DYSTROPHY, LIMB-GIRDLE, AUTOSOMAL RECESSIVE 10. Identifiers: Orphanet 140922, MedGen C1837342, MONDO:0012127, OMIM 608807.

Submissions (2):

Labcorp Genetics (formerly Invitae), Labcorp
Classification: Likely pathogenic for Dilated cardiomyopathy 1G; Autosomal recessive limb-girdle muscular dystrophy type 2J. Last evaluated: 2024-08-12. Review status: criteria provided, single submitter. Criteria: Invitae Variant Classification Sherloc (09022015). Collection method: clinical testing. Allele origin: germline.
Comment: This sequence change affects an acceptor splice site in intron 28 of the TTN gene. It is expected to disrupt RNA splicing and likely results in a truncated or disrupted TTN protein. This variant is not present in population databases (gnomAD no frequency). This variant has not been reported in the literature in individuals affected with TTN-related conditions. Algorithms developed to predict the effect of sequence changes on RNA splicing suggest that this variant may disrupt the consensus splice site. This variant is located in the Z band of TTN (PMID: 25589632). Truncating variants in this region have been reported in individuals affected with autosomal recessive centronuclear myopathy (PMID: 33449170, Invitae internal data). Truncating variants in this region have also been identified in individuals affected with autosomal dominant dilated cardiomyopathy and/or cardio-related conditions (PMID: 27869827, 32964742, Invitae internal data). In summary, the currently available evidence indicates that the variant is pathogenic, but additional data are needed to prove that conclusively. Therefore, this variant has been classified as Likely Pathogenic.

Cardiogenetics and Myogenetics Molecular and Cellular Functional Unit, Aphp Sorbonne University-Hopital Pitie Salpetriere
Classification: Uncertain significance for Dilated cardiomyopathy 1G. Last evaluated: 2024-01-06. Review status: no assertion criteria provided. Collection method: clinical testing. Allele origin: germline. Affected: yes. Not counted in ClinVar's aggregate classification.

Literature cited by the submitters: PubMed 25589632 (cited by Labcorp Genetics (formerly Invitae), Labcorp); PubMed 33449170 (cited by Labcorp Genetics (formerly Invitae), Labcorp); PubMed 27869827 (cited by Labcorp Genetics (formerly Invitae), Labcorp); PubMed 32964742 (cited by Labcorp Genetics (formerly Invitae), Labcorp).

NM_001267550.2(TTN):c.6509-1G>A

Gene: TTN (titin; minus strand). Cytogenetic location: 2q31.2.
Variant type: single nucleotide variant.
Coding change: c.6509-1G>A on transcript NM_001267550.2 (MANE Select); the canonical splice acceptor site of the intron before coding-DNA position 6509, G replaced by A.
Molecular consequence: splice acceptor variant.
Genome position (GRCh38, 1-based): chr2:178,775,203, C>T on the plus strand (G>A on the coding strand, the complement: TTN is on the minus strand). VCF-style: chr2-178775203-C-T. GRCh37 (hg19) VCF-style: chr2-179639930-C-T.
Other names: c.6371-1G>A (NM_003319.4, NM_133437.4, NM_133432.3); c.6509-1G>A (NM_133378.4, NM_001256850.1, NM_133379.5).
Identifiers: ClinVar variation 3363046 (VCV003363046.3).